The following is an entry in ClinVar:

NC_000007.14:g.(?_100640676)_(100641519_?)del

Gene: TFR2 (transferrin receptor 2; minus strand). Cytogenetic location: 7q22.1.
Variant type: Deletion.
Identifiers: ClinVar variation 831039 (VCV000831039.5).

ClinVar aggregate classification (germline): Pathogenic (1 of 4 stars; one submission).

Conditions:
Hereditary hemochromatosis (HFE). Identifiers: MedGen C0392514, MONDO:0006507. Disease mechanism: loss of function.

Submission:

Labcorp Genetics (formerly Invitae), Labcorp
Classification: Pathogenic for Hereditary hemochromatosis. Last evaluated: 2022-06-10. Review status: criteria provided, single submitter. Criteria: Invitae Variant Classification Sherloc (09022015). Collection method: clinical testing. Allele origin: germline.
Comment: This variant is a gross deletion of the genomic region encompassing exon(s) 1-3 of the TFR2 gene, which includes the initiator codon. This deletion extends beyond the assayed region for this gene and therefore may encompass additional genes. It is expected to result in an absent or disrupted protein product. Loss-of-function variants in TFR2 are known to be pathogenic (PMID: 23600741, 26029709). This variant has not been reported in the literature in individuals affected with TFR2-related conditions. For these reasons, this variant has been classified as Pathogenic.

Literature cited by the submitters: PubMed 23600741; PubMed 26029709.